The following is an entry in ClinVar:

NM_004006.3(DMD):c.335G>T (p.Trp112Leu)

Gene: DMD (dystrophin; minus strand). Cytogenetic location: Xp21.1.
Variant type: single nucleotide variant.
Coding change: c.335G>T on transcript NM_004006.3 (MANE Select); coding-DNA position 335, G replaced by T.
Protein change: p.Trp112Leu; replaces tryptophan 112 with leucine.
Molecular consequence: missense variant. On other transcripts: 5 prime UTR variant (1).
Genome position (GRCh38, 1-based): chrX:32,823,317, C>A on the plus strand (G>T on the coding strand, the complement: DMD is on the minus strand). VCF-style: chrX-32823317-C-A. GRCh37 (hg19) VCF-style: chrX-32841434-C-A.
Other names: c.311G>T, p.Trp104Leu (NM_000109.4); c.323G>T, p.Trp108Leu (NM_004009.3); c.-35G>T (NM_004010.3); short protein forms W112L, W104L, W108L.
Identifiers: ClinVar variation 4710707 (VCV004710707.1).

ClinVar aggregate classification (germline): Likely pathogenic (1 of 4 stars; one submission).

Conditions:
Duchenne muscular dystrophy (DMD). Also called: MUSCULAR DYSTROPHY, PSEUDOHYPERTROPHIC PROGRESSIVE, DUCHENNE TYPE; Duchenne Muscular Dystrophy (DMD). Identifiers: Orphanet 98896, MedGen C0013264, MONDO:0010679, OMIM 310200.

Submission:

Labcorp Genetics (formerly Invitae), Labcorp
Classification: Likely pathogenic for Duchenne muscular dystrophy. Last evaluated: 2025-10-31. Review status: criteria provided, single submitter. Criteria: Invitae Variant Classification Sherloc (09022015). Collection method: clinical testing. Allele origin: germline.
Comment: This sequence change replaces tryptophan, which is neutral and slightly polar, with leucine, which is neutral and non-polar, at codon 112 of the DMD protein (p.Trp112Leu). This variant is not present in population databases (gnomAD no frequency). This missense change has been observed in individual(s) with muscular dystrophy (PMID: 27122458). In at least one individual the variant was observed to be de novo. Invitae Evidence Modeling of protein sequence and biophysical properties (such as structural, functional, and spatial information, amino acid conservation, physicochemical variation, residue mobility, and thermodynamic stability) indicates that this missense variant is expected to disrupt DMD protein function with a positive predictive value of 80%. In summary, the currently available evidence indicates that the variant is pathogenic, but additional data are needed to prove that conclusively. Therefore, this variant has been classified as Likely Pathogenic.

Literature cited by the submitters: PubMed 27122458.